The following is an entry in ClinVar:

ClinVar aggregate classification (germline): Uncertain significance. Review status: criteria provided, multiple submitters, no conflicts (2 of 4 stars). 5 submissions from 5 submitters: Uncertain significance (5). Last evaluated 2026-03-20.

Conditions:
RYR1-related disorder. Also called: RYR1-related condition; RYR1-related disorders. Identifiers: MedGen CN239331.
Malignant hyperthermia, susceptibility to, 1 (MHS1). Also called: Anesthesia related hyperthermia; Malignant hyperpyrexia; Fulminating hyperpyrexia; Pharmacogenic myopathy; RYR1-Related Malignant Hyperthermia Susceptibility; Malignant hyperthermia suceptibility 1. Identifiers: Orphanet 423, MedGen C2930980, MONDO:0007783, OMIM 145600.

Allele frequency attached by ClinVar (database versions not stated): gnomAD 0.00003; gnomAD exomes 0.00003 and 0.00004; TOPMed 0.00003; ExAC 0.00004; 1000 Genomes Project 30x 0.00016; 1000 Genomes Project 0.00020.
gnomAD v4.1: 70 of 1,613,690 alleles (0.0043%); highest among the groups gnomAD compares: Admixed American, 0.0067%; no homozygotes.

Submissions (5):

Women's Health and Genetics/Laboratory Corporation of America, LabCorp
Classification: Uncertain significance. Last evaluated: 2026-03-20. Review status: criteria provided, single submitter. Criteria: LabCorp Variant Classification Summary - May 2015. Collection method: clinical testing. Allele origin: germline.
Comment: Variant summary: RYR1 c.8752C>G (p.Arg2918Gly) results in a non-conservative amino acid change in the encoded protein sequence. Algorithms developed to predict the effect of missense changes on protein structure and function all suggest that this variant is likely to be disruptive. The variant allele was found at a frequency of 3.2e-05 in 251356 control chromosomes. c.8752C>G has been observed in individual(s) affected with RYR1-related disorders (internal data). These data indicate that the variant may be associated with disease. To our knowledge, no experimental evidence demonstrating an impact on protein function has been reported. The following publication have been ascertained in the context of this evaluation (PMID: 32236737). ClinVar contains an entry for this variant (Variation ID: 544428). Based on the evidence outlined above, the variant was classified as VUS-possibly pathogenic.

Labcorp Genetics (formerly Invitae), Labcorp
Classification: Uncertain significance for RYR1-related disorder. Last evaluated: 2023-12-13. Review status: criteria provided, single submitter. Criteria: Invitae Variant Classification Sherloc (09022015). Collection method: clinical testing. Allele origin: germline.
Comment: This sequence change replaces arginine, which is basic and polar, with glycine, which is neutral and non-polar, at codon 2918 of the RYR1 protein (p.Arg2918Gly). This variant is present in population databases (rs571701341, gnomAD 0.006%). This missense change has been observed in individual(s) with clinical features of RYR1-related conditions (Invitae). ClinVar contains an entry for this variant (Variation ID: 544428). Advanced modeling of protein sequence and biophysical properties (such as structural, functional, and spatial information, amino acid conservation, physicochemical variation, residue mobility, and thermodynamic stability) has been performed at Invitae for this missense variant, however the output from this modeling did not meet the statistical confidence thresholds required to predict the impact of this variant on RYR1 protein function. In summary, the available evidence is currently insufficient to determine the role of this variant in disease. Therefore, it has been classified as a Variant of Uncertain Significance.

Color Diagnostics, LLC DBA Color Health
Classification: Uncertain significance for Malignant hyperthermia, susceptibility to, 1. Last evaluated: 2023-03-16. Review status: criteria provided, single submitter. Criteria: ACMG Guidelines, 2015. Collection method: clinical testing. Allele origin: germline.
Comment: This missense variant replaces arginine with glycine at codon 2918 of the RYR1 protein. Computational prediction is inconclusive regarding the impact of this variant on protein structure and function (internally defined REVEL score threshold 0.5 < inconclusive < 0.7, PMID: 27666373). To our knowledge, functional studies have not been reported for this variant. This variant has not been reported in individuals affected with RYR1-related disorders in the literature. This variant has been identified in 8/251356 chromosomes in the general population by the Genome Aggregation Database (gnomAD). The available evidence is insufficient to determine the role of this variant in disease conclusively. Therefore, this variant is classified as a Variant of Uncertain Significance.

Mayo Clinic Laboratories, Mayo Clinic
Classification: Uncertain significance. Last evaluated: 2023-03-10. Review status: criteria provided, single submitter. Criteria: ACMG Guidelines, 2015. Collection method: clinical testing. Allele origin: germline. Observed: 1 variant allele.

PreventionGenetics, part of Exact Sciences
Classification: Uncertain significance. Last evaluated: 2013-10-28. Review status: criteria provided, single submitter. Criteria: ACMG Guidelines, 2015. Collection method: clinical testing. Allele origin: germline.

Literature cited by the submitters: PubMed 32236737 (cited by Women's Health and Genetics/Laboratory Corporation of America, LabCorp).

NM_000540.3(RYR1):c.8752C>G (p.Arg2918Gly)

Gene: RYR1 (ryanodine receptor 1; plus strand). Cytogenetic location: 19q13.2.
Variant type: single nucleotide variant.
Coding change: c.8752C>G on transcript NM_000540.3 (MANE Select); coding-DNA position 8752, C replaced by G.
Protein change: p.Arg2918Gly; replaces arginine 2918 with glycine.
Molecular consequence: missense variant.
Genome position (GRCh38, 1-based): chr19:38,506,888, C>G. VCF-style: chr19-38506888-C-G. GRCh37 (hg19) VCF-style: chr19-38997528-C-G.
Other names: p.Arg2918Gly; c.8752C>G, p.Arg2918Gly (NM_001042723.2); short protein forms R2918G.
Identifiers: ClinVar variation 544428 (VCV000544428.12), dbSNP rs571701341, ClinGen allele CA072681.